The following is an entry in ClinVar:

NM_006254.4(PRKCD):c.1729G>A (p.Asp577Asn)

Gene: PRKCD (protein kinase C delta; plus strand). Cytogenetic location: 3p21.1.
Variant type: single nucleotide variant.
Coding change: c.1729G>A on transcript NM_006254.4 (MANE Select); coding-DNA position 1729, G replaced by A.
Protein change: p.Asp577Asn; replaces aspartic acid 577 with asparagine.
Molecular consequence: missense variant.
Genome position (GRCh38, 1-based): chr3:53,189,232, G>A. VCF-style: chr3-53189232-G-A. GRCh37 (hg19) VCF-style: chr3-53223248-G-A.
Other names: c.1729G>A, p.Asp577Asn (NM_001316327.2, NM_001354679.2, NM_001354680.2 and 1 more transcripts); c.1786G>A, p.Asp596Asn (NM_001354676.2); c.1777G>A, p.Asp593Asn (NM_001354678.2); short protein forms D577N, D593N, D596N.
Identifiers: ClinVar variation 2417958 (VCV002417958.6), dbSNP rs782155110, ClinGen allele CA2452262.

ClinVar aggregate classification (germline): Uncertain significance (1 of 4 stars; one submission).

Conditions:
Autoimmune lymphoproliferative syndrome, type III caused by mutation in PRKCD. Identifiers: Orphanet 3261, Orphanet 664711, MedGen C3809928, MONDO:8000024, OMIM 615559.

Allele frequency attached by ClinVar (database versions not stated): ExAC 0.00001; gnomAD exomes 0.00001.
gnomAD v4.1: 3 of 1,561,352 alleles (0.00019%); highest among the groups gnomAD compares: South Asian, 0.0011%; no homozygotes.

Submission:

Labcorp Genetics (formerly Invitae), Labcorp
Classification: Uncertain significance for Autoimmune lymphoproliferative syndrome, type III caused by mutation in PRKCD. Last evaluated: 2024-03-02. Review status: criteria provided, single submitter. Criteria: Invitae Variant Classification Sherloc (09022015). Collection method: clinical testing. Allele origin: germline.
Comment: This sequence change replaces aspartic acid, which is acidic and polar, with asparagine, which is neutral and polar, at codon 577 of the PRKCD protein (p.Asp577Asn). This variant is present in population databases (rs782155110, gnomAD 0.003%). This variant has not been reported in the literature in individuals affected with PRKCD-related conditions. ClinVar contains an entry for this variant (Variation ID: 2417958). An algorithm developed to predict the effect of missense changes on protein structure and function (PolyPhen-2) suggests that this variant is likely to be tolerated. In summary, the available evidence is currently insufficient to determine the role of this variant in disease. Therefore, it has been classified as a Variant of Uncertain Significance.